The following is an entry in ClinVar:

ClinVar aggregate classification (germline): Benign/Likely benign. Review status: criteria provided, multiple submitters, no conflicts (2 of 4 stars). 13 submissions from 13 submitters: Benign (2); Likely benign (11). Last evaluated 2026-01-19.

Conditions:
Classic or attenuated familial adenomatous polyposis. Identifiers: MedGen CN372698, MONDO:0021057.
Familial adenomatous polyposis 1 (FAP1). Also called: FAMILIAL ADENOMATOUS POLYPOSIS 1, ATTENUATED; POLYPOSIS, ADENOMATOUS INTESTINAL. Identifiers: MedGen C2713442, MONDO:0021056, OMIM 175100. Disease mechanism: loss of function.
Hereditary cancer-predisposing syndrome. Also called: Tumor predisposition; Hereditary Cancer Syndrome; Neoplastic Syndromes, Hereditary; Hereditary neoplastic syndrome. Identifiers: Orphanet 140162, MedGen C0027672, MeSH D009386, MONDO:0015356.

Allele frequency attached by ClinVar (database versions not stated): ExAC 0.00003; gnomAD exomes 0.00005; TOPMed 0.00006; gnomAD 0.00007; ESP Exome Variant Server 0.00023.
gnomAD v4.1: 83 of 1,613,832 alleles (0.0051%); highest among the groups gnomAD compares: Non-Finnish European, 0.0063%; no homozygotes.

Submissions (13):

Labcorp Genetics (formerly Invitae), Labcorp
Classification: Likely benign for Familial adenomatous polyposis 1. Last evaluated: 2026-01-19. Review status: criteria provided, single submitter. Criteria: Invitae Variant Classification Sherloc (09022015). Collection method: clinical testing. Allele origin: germline.

CeGaT Center for Human Genetics Tuebingen
Classification: Likely benign. Last evaluated: 2025-10-01. Review status: criteria provided, single submitter. Criteria: CeGaT Center For Human Genetics Tuebingen Variant Classification Criteria Version 2. Collection method: clinical testing. Allele origin: germline. Affected: yes. Observed: 1 variant allele.
Comment: APC: BP4, BP7

Center for Genomic Medicine, Rigshospitalet, Copenhagen University Hospital
Classification: Likely benign. Last evaluated: 2025-03-04. Review status: criteria provided, single submitter. Criteria: ACMG Guidelines, 2015. Collection method: clinical testing. Allele origin: germline.

KCCC/NGS Laboratory, Kuwait Cancer Control Center
Classification: Benign for Familial adenomatous polyposis 1. Last evaluated: 2025-02-01. Review status: criteria provided, single submitter. Criteria: ACMG Guidelines, 2015. Collection method: clinical testing. Allele origin: germline. Affected: no.

Blueprint Genetics
Classification: Likely benign. Last evaluated: 2024-05-28. Review status: criteria provided, single submitter. Criteria: ACMG Guidelines, 2015. Collection method: clinical testing. Allele origin: germline.

Myriad Genetics, Inc.
Classification: Benign for Familial adenomatous polyposis 1. Last evaluated: 2024-03-27. Review status: criteria provided, single submitter. Criteria: Myriad Autosomal Dominant, Autosomal Recessive and X-Linked Classification Criteria (2023). Collection method: clinical testing. Allele origin: unknown.
Comment: This variant is considered benign. This variant is a silent/synonymous amino acid change and it is not expected to impact splicing.

All of Us Research Program, National Institutes of Health
Classification: Likely benign for Classic or attenuated familial adenomatous polyposis. Last evaluated: 2024-02-05. Review status: criteria provided, single submitter. Criteria: ACMG Guidelines, 2015. Collection method: clinical testing. Allele origin: germline. Inheritance: Autosomal dominant inheritance. Observed: 7 variant alleles, 7 heterozygotes.
Comment: This study involves interpretation of variants in research participants for the purpose of population health screening. Participant phenotype was not available at the time of variant classification. Additional details can be found in publication PMID: 35346344, PMCID: PMC8962531

Quest Diagnostics Nichols Institute San Juan Capistrano
Classification: Likely benign. Last evaluated: 2023-03-16. Review status: criteria provided, single submitter. Criteria: Quest Diagnostics criteria. Collection method: clinical testing. Allele origin: unknown.

Sema4
Classification: Likely benign for Hereditary cancer-predisposing syndrome. Last evaluated: 2021-06-28. Review status: criteria provided, single submitter. Criteria: Sema4 Curation Guidelines. Collection method: curation. Allele origin: germline.

GeneDx
Classification: Likely benign. Last evaluated: 2021-03-08. Review status: criteria provided, single submitter. Criteria: GeneDx Variant Classification Process June 2021. Collection method: clinical testing. Allele origin: germline. Affected: yes.
Comment: This variant is associated with the following publications: (PMID: 26010451)

Women's Health and Genetics/Laboratory Corporation of America, LabCorp
Classification: Likely benign. Last evaluated: 2019-05-23. Review status: criteria provided, single submitter. Criteria: LabCorp Variant Classification Summary - May 2015. Collection method: clinical testing. Allele origin: germline.
Comment: Variant summary: APC c.4533C>T alters a non-conserved nucleotide resulting in a synonymous change. 5/5 computational tools predict no significant impact on normal splicing. However, these predictions have yet to be confirmed by functional studies. The variant allele was found at a frequency of 4.8e-05 in 250356 control chromosomes, predominantly within the Non-Finnish European subpopulation at a frequency of 7.1e-05 in the gnomAD database. The observed variant frequency in the Non-Finnish European subpopulation is approximately the same as the estimated maximal expected allele frequency for a pathogenic variant in APC causing Familial Adenomatous Polyposis (FAP) phenotype (7.1e-05), suggesting that the variant is benign. In addition, the variant occurs in the North-western European subpopulation with an even higher frequency (i.e. 0.00012) further supporting a benign role. To our knowledge, no occurrence of c.4533C>T in individuals affected with Familial Adenomatous Polyposis and no experimental evidence demonstrating its impact on protein function have been reported. Five other clinical diagnostic laboratories have submitted clinical-significance assessments for this variant to ClinVar after 2014 without evidence for independent evaluation, and all of them classified the variant as likely benign. Based on the evidence outlined above, the variant was classified as likely benign.

Color Diagnostics, LLC DBA Color Health
Classification: Likely benign for Hereditary cancer-predisposing syndrome. Last evaluated: 2017-01-25. Review status: criteria provided, single submitter. Criteria: ACMG Guidelines, 2015. Collection method: clinical testing. Allele origin: germline.

Ambry Genetics
Classification: Likely benign for Hereditary cancer-predisposing syndrome. Last evaluated: 2015-01-22. Review status: criteria provided, single submitter. Criteria: Ambry Variant Classification Scheme 2023. Collection method: clinical testing. Allele origin: germline.

NM_000038.6(APC):c.4533C>T (p.Leu1511=)

Gene: APC (APC regulator of Wnt signaling pathway; plus strand). Cytogenetic location: 5q22.2.
Variant type: single nucleotide variant.
Coding change: c.4533C>T on transcript NM_000038.6 (MANE Select); coding-DNA position 4533, C replaced by T.
Protein change: p.Leu1511=; no amino-acid change (leucine 1511 retained).
Molecular consequence: synonymous variant.
Genome position (GRCh38, 1-based): chr5:112,840,127, C>T. VCF-style: chr5-112840127-C-T. GRCh37 (hg19) VCF-style: chr5-112175824-C-T.
Other names: c.4533C>T, p.Leu1511= (NM_001127510.3, NM_001354895.2); c.4479C>T, p.Leu1493= (NM_001127511.3); c.4587C>T, p.Leu1529= (NM_001354896.2); c.4563C>T, p.Leu1521= (NM_001354897.2); c.4458C>T, p.Leu1486= (NM_001354898.2); c.4449C>T, p.Leu1483= (NM_001354899.2); c.4410C>T, p.Leu1470= (NM_001354900.2); c.4356C>T, p.Leu1452= (NM_001354901.2); and 5 more.
Identifiers: ClinVar variation 236601 (VCV000236601.34), dbSNP rs150089434, ClinGen allele CA039369.